The following is an entry in ClinVar:

ClinVar aggregate classification (germline): Uncertain significance (1 of 4 stars; one submission).

gnomAD v4.1: 6 of 1,613,086 alleles (0.00037%); highest among the groups gnomAD compares: Non-Finnish European, 0.00051%; no homozygotes.

Submission:

Mayo Clinic Laboratories, Mayo Clinic
Classification: Uncertain significance. Last evaluated: 2025-07-02. Review status: criteria provided, single submitter. Criteria: ACMG Guidelines, 2015. Collection method: clinical testing. Allele origin: germline. Observed: 1 variant allele.
Comment: BP4_moderate, PM2_supporting

NM_001321759.2(CDIN1):c.679G>A (p.Ala227Thr)

Gene: CDIN1 (CDAN1 interacting nuclease 1; plus strand). Cytogenetic location: 15q14.
Variant type: single nucleotide variant.
Coding change: c.679G>A on transcript NM_001321759.2 (MANE Select); coding-DNA position 679, G replaced by A.
Protein change: p.Ala227Thr; replaces alanine 227 with threonine.
Molecular consequence: missense variant. On other transcripts: intron variant (1).
Genome position (GRCh38, 1-based): chr15:36,709,924, G>A. VCF-style: chr15-36709924-G-A. GRCh37 (hg19) VCF-style: chr15-37002125-G-A.
Other names: p.Ala227Thr; c.679G>A, p.Ala227Thr (NM_001130010.3, NM_001290233.2); c.385G>A, p.Ala129Thr (NM_001290232.2, NM_001321756.2, NM_032499.6); c.310G>A, p.Ala104Thr (NM_001321757.2); c.568G>A, p.Ala190Thr (NM_001321758.2); c.697G>A, p.Ala233Thr (NM_001321761.2); c.610+636G>A (NM_001321760.2); short protein forms A104T, A129T, A190T, A227T, A233T.
Identifiers: ClinVar variation 4879339 (VCV004879339.1).